The following is an entry in ClinVar:

ClinVar aggregate classification (germline): Uncertain significance (1 of 4 stars; one submission).

Submission:

Ambry Genetics
Classification: Uncertain significance. Last evaluated: 2021-12-09. Review status: criteria provided, single submitter. Criteria: Ambry Variant Classification Scheme 2023. Collection method: clinical testing. Allele origin: germline.
Comment: The p.I691T variant (also known as c.2072T>C), located in coding exon 14 of the RINT1 gene, results from a T to C substitution at nucleotide position 2072. The isoleucine at codon 691 is replaced by threonine, an amino acid with similar properties. This amino acid position is well conserved in available vertebrate species. In addition, the in silico prediction for this alteration is inconclusive. The evidence for this gene-disease relationship is limited; therefore, the clinical significance of this alteration is unclear.

NM_021930.6(RINT1):c.2072T>C (p.Ile691Thr)

Genes: EFCAB10 (EF-hand calcium binding domain 10; minus strand), RINT1 (RAD50 interactor 1; plus strand). Cytogenetic location: 7q22.3.
Variant type: single nucleotide variant.
Coding change: c.2072T>C on transcript NM_021930.6 (MANE Select); coding-DNA position 2072, T replaced by C.
Protein change: p.Ile691Thr; replaces isoleucine 691 with threonine.
Molecular consequence: missense variant. On other transcripts: 3 prime UTR variant (1), non-coding transcript variant (1), intron variant (2).
Genome position (GRCh38, 1-based): chr7:105,565,534, T>C. VCF-style: chr7-105565534-T-C. GRCh37 (hg19) VCF-style: chr7-105205981-T-C.
Other names: c.*15A>G (NM_001355530.2); c.1838T>C, p.Ile613Thr (NM_001346599.2); c.1049T>C, p.Ile350Thr (NM_001346600.2, NM_001346603.2); c.1148T>C, p.Ile383Thr (NM_001346601.2); c.360-87A>G (NM_001355531.2); c.384-87A>G (NM_001355526.2); short protein forms I350T, I383T, I691T, I613T.
Identifiers: ClinVar variation 1785417 (VCV001785417.2), dbSNP rs2485185947, ClinGen allele CA368815044.